The following is an entry in ClinVar:

NM_144573.4(NEXN):c.447+105A>G

Genes: NEXN (nexilin F-actin binding protein; plus strand), LOC126805765 (BRD4-independent group 4 enhancer GRCh37_chr1:78383688-78384887; plus strand). Cytogenetic location: 1p31.1.
Variant type: single nucleotide variant.
Coding change: c.447+105A>G on transcript NM_144573.4 (MANE Select); 105 bases into the intron after coding-DNA position 447, A replaced by G.
Molecular consequence: intron variant.
Genome position (GRCh38, 1-based): chr1:77,918,378, A>G. VCF-style: chr1-77918378-A-G. GRCh37 (hg19) VCF-style: chr1-78384063-A-G.
Other names: c.255+105A>G (NM_001172309.2).
Identifiers: ClinVar variation 671475 (VCV000671475.2), dbSNP rs76755414, ClinGen allele CA24705551.

ClinVar aggregate classification (germline): Likely benign. Review status: criteria provided, multiple submitters, no conflicts (2 of 4 stars). 2 submissions from 2 submitters: Likely benign (2). Last evaluated 2018-06-14.

Allele frequency attached by ClinVar (database versions not stated): gnomAD exomes 0.00110; gnomAD 0.01181 and 0.01270; 1000 Genomes Project 0.01278; TOPMed 0.01341; 1000 Genomes Project 30x 0.01499.
gnomAD v4.1: 3,097 of 1,315,012 alleles (0.24%); highest among the groups gnomAD compares: African/African-American, 4.2%; 65 homozygotes.

Submissions (2):

GeneDx
Classification: Likely benign. Last evaluated: 2018-06-14. Review status: criteria provided, single submitter. Criteria: GeneDx Variant Classification (06012015). Collection method: clinical testing. Allele origin: germline. Affected: yes.
Comment: This variant is considered likely benign or benign based on one or more of the following criteria: it is a conservative change, it occurs at a poorly conserved position in the protein, it is predicted to be benign by multiple in silico algorithms, and/or has population frequency not consistent with disease.

Breakthrough Genomics
Classification: Likely benign. Review status: criteria provided, single submitter. Criteria: ACMG Guidelines, 2015. Collection method: not provided. Allele origin: germline. Inheritance: Autosomal dominant inheritance. Affected: yes.